The following is an entry in ClinVar:

ClinVar aggregate classification (germline): Uncertain significance (1 of 4 stars; one submission).

Submission:

Labcorp Genetics (formerly Invitae), Labcorp
Classification: Uncertain significance. Last evaluated: 2025-04-14. Review status: criteria provided, single submitter. Criteria: Invitae Variant Classification Sherloc (09022015). Collection method: clinical testing. Allele origin: germline.
Comment: This variant, c.1395_1400del, results in the deletion of 2 amino acid(s) of the TONSL protein (p.Asp466_Glu467del), but otherwise preserves the integrity of the reading frame. This variant is present in population databases (rs774242294, gnomAD 0.0009%). This variant has not been reported in the literature in individuals affected with TONSL-related conditions. Experimental studies and prediction algorithms are not available or were not evaluated, and the functional significance of this variant is currently unknown. In summary, the available evidence is currently insufficient to determine the role of this variant in disease. Therefore, it has been classified as a Variant of Uncertain Significance.

NM_013432.5(TONSL):c.1389AGATGA[1] (p.464DE[1])

Gene: TONSL (tonsoku like, DNA repair protein; minus strand). Cytogenetic location: 8q24.3.
Variant type: Microsatellite.
Coding change: c.1389AGATGA[1] on transcript NM_013432.5 (MANE Select); one copy of the 6-base unit AGATGA starting at c.1389; the reference has two copies in a row; one copy, 6 bases deleted.
Protein change: p.464DE[1].
Molecular consequence: inframe deletion.
Genome position (GRCh38, 1-based): chr8:144,440,101-144,440,106, TCATCT deleted on the plus strand (AGATGA on the coding strand, the reverse complement: TONSL is on the minus strand); deleting any 6 consecutive bases within chr8:144,440,101-144,440,115 gives the same sequence; the position shown is the placement nearest the transcript's 3' end. VCF-style (leftmost placement, unchanged base first): chr8-144440100-CTCATCT-C. GRCh37 (hg19) VCF-style: chr8-145665483-CTCATCT-C.
Identifiers: ClinVar variation 1345209 (VCV001345209.8), dbSNP rs768606981, ClinGen allele CA4943259.